The following is an entry in ClinVar:

ClinVar aggregate classification (germline): Uncertain significance (1 of 4 stars; one submission).

Conditions:
Inborn genetic diseases. Identifiers: MedGen C0950123, MeSH D030342.

Submission:

Ambry Genetics
Classification: Uncertain significance for Inborn genetic diseases. Last evaluated: 2024-03-21. Review status: criteria provided, single submitter. Criteria: Ambry Variant Classification Scheme 2023. Collection method: clinical testing. Allele origin: germline.
Comment: The c.856G>C (p.A286P) alteration is located in exon 9 (coding exon 9) of the DDX3X gene. This alteration results from a G to C substitution at nucleotide position 856, causing the alanine (A) at amino acid position 286 to be replaced by a proline (P). This variant was not reported in population-based cohorts in the Genome Aggregation Database (gnomAD). This amino acid position is highly conserved in available vertebrate species. This missense alteration is located in a region that has a low rate of benign missense variation (Lek, 2016; Firth, 2009). This alteration is predicted to be deleterious by in silico analysis. Based on insufficient or conflicting evidence, the clinical significance of this alteration remains unclear.

NM_001356.5(DDX3X):c.856G>C (p.Ala286Pro)

Gene: DDX3X (DEAD-box helicase 3 X-linked; plus strand). Cytogenetic location: Xp11.4.
Variant type: single nucleotide variant.
Coding change: c.856G>C on transcript NM_001356.5 (MANE Select); coding-DNA position 856, G replaced by C.
Protein change: p.Ala286Pro; replaces alanine 286 with proline.
Molecular consequence: missense variant. On other transcripts: non-coding transcript variant (1).
Genome position (GRCh38, 1-based): chrX:41,344,120, G>C. VCF-style: chrX-41344120-G-C. GRCh37 (hg19) VCF-style: chrX-41203373-G-C.
Other names: c.856G>C, p.Ala286Pro (NM_001193416.3); c.808G>C, p.Ala270Pro (NM_001193417.3); c.298G>C, p.Ala100Pro (NM_001363819.1); short protein forms A100P, A270P, A286P.
Identifiers: ClinVar variation 3271310 (VCV003271310.1).